The following is an entry in ClinVar:

ClinVar aggregate classification (germline): Benign/Likely benign. Review status: criteria provided, multiple submitters, no conflicts (2 of 4 stars). 6 submissions from 6 submitters: Benign (1); Likely benign (5). Last evaluated 2025-03-25.

Conditions:
Hereditary cancer-predisposing syndrome. Also called: Tumor predisposition; Neoplastic Syndromes, Hereditary; Hereditary Cancer Syndrome; Hereditary neoplastic syndrome. Identifiers: Orphanet 140162, MedGen C0027672, MeSH D009386, MONDO:0015356.
Peutz-Jeghers syndrome (PJS). Also called: POLYPOSIS, HAMARTOMATOUS INTESTINAL; POLYPS-AND-SPOTS SYNDROME; Peutz-Jeghers polyposis; Periorificial lentiginosis syndrome. Identifiers: Orphanet 2869, MedGen C0031269, MeSH D010580, MONDO:0008280, OMIM 175200.

Allele frequency attached by ClinVar (database versions not stated): gnomAD exomes below 0.00001.
gnomAD v4.1: 2 of 1,613,822 alleles (0.00012%); highest among the groups gnomAD compares: South Asian, 0.0011%; no homozygotes.

Submissions (6):

Myriad Genetics, Inc.
Classification: Benign for Peutz-Jeghers syndrome. Last evaluated: 2025-03-25. Review status: criteria provided, single submitter. Criteria: Myriad Autosomal Dominant, Autosomal Recessive and X-Linked Classification Criteria (2023). Collection method: clinical testing. Allele origin: unknown.
Comment: This variant is considered benign. This variant is a silent/synonymous amino acid change and it is not expected to impact splicing.

All of Us Research Program, National Institutes of Health
Classification: Likely benign for Peutz-Jeghers syndrome. Last evaluated: 2023-06-15. Review status: criteria provided, single submitter. Criteria: ACMG Guidelines, 2015. Collection method: clinical testing. Allele origin: germline. Inheritance: Autosomal dominant inheritance. Observed: 1 variant allele, 1 heterozygote.
Comment: This study involves interpretation of variants in research participants for the purpose of population health screening. Participant phenotype was not available at the time of variant classification. Additional details can be found in publication PMID: 35346344, PMCID: PMC8962531

Labcorp Genetics (formerly Invitae), Labcorp
Classification: Likely benign for Peutz-Jeghers syndrome. Last evaluated: 2022-08-05. Review status: criteria provided, single submitter. Criteria: Invitae Variant Classification Sherloc (09022015). Collection method: clinical testing. Allele origin: germline.

Ambry Genetics
Classification: Likely benign for Hereditary cancer-predisposing syndrome. Last evaluated: 2022-06-30. Review status: criteria provided, single submitter. Criteria: Ambry Variant Classification Scheme 2023. Collection method: clinical testing. Allele origin: germline.

PreventionGenetics, part of Exact Sciences
Classification: Likely benign. Last evaluated: 2018-01-09. Review status: criteria provided, single submitter. Criteria: ACMG Guidelines, 2015. Collection method: clinical testing. Allele origin: germline.

Color Diagnostics, LLC DBA Color Health
Classification: Likely benign for Hereditary cancer-predisposing syndrome. Last evaluated: 2017-09-29. Review status: criteria provided, single submitter. Criteria: ACMG Guidelines, 2015. Collection method: clinical testing. Allele origin: germline.

NM_000455.5(STK11):c.129C>G (p.Ala43=)

Gene: STK11 (serine/threonine kinase 11; plus strand). Cytogenetic location: 19p13.3.
Variant type: single nucleotide variant.
Coding change: c.129C>G on transcript NM_000455.5 (MANE Select); coding-DNA position 129, C replaced by G.
Protein change: p.Ala43=; no amino-acid change (alanine 43 retained).
Molecular consequence: synonymous variant.
Genome position (GRCh38, 1-based): chr19:1,207,042, C>G. VCF-style: chr19-1207042-C-G. GRCh37 (hg19) VCF-style: chr19-1207041-C-G.
Identifiers: ClinVar variation 492517 (VCV000492517.12), dbSNP rs1555734970, ClinGen allele CA504706137.